The following is an entry in ClinVar:

NM_001302998.2(LIPI):c.559C>A (p.Pro187Thr)

Gene: LIPI (lipase I; minus strand). Cytogenetic location: 21q11.2.
Variant type: single nucleotide variant.
Coding change: c.559C>A on transcript NM_001302998.2 (MANE Select); coding-DNA position 559, C replaced by A.
Protein change: p.Pro187Thr; replaces proline 187 with threonine.
Molecular consequence: missense variant.
Genome position (GRCh38, 1-based): chr21:14,181,842, G>T on the plus strand (C>A on the coding strand, the complement: LIPI is on the minus strand). VCF-style: chr21-14181842-G-T. GRCh37 (hg19) VCF-style: chr21-15554163-G-T.
Other names: c.559C>A, p.Pro187Thr (NM_001302999.2, NM_001303000.2, NM_001303001.2 and 1 more transcripts); c.64C>A, p.Pro22Thr (NM_001379566.1); c.424C>A, p.Pro142Thr (NM_198996.4); c.622C>A (NM_198996.2); short protein forms P142T, P22T, P187T.
Identifiers: ClinVar variation 2188051 (VCV002188051.5), dbSNP rs751340581, ClinGen allele CA9979634.

ClinVar aggregate classification (germline): Uncertain significance. Review status: criteria provided, multiple submitters, no conflicts (2 of 4 stars). 2 submissions from 2 submitters: Uncertain significance (2). Last evaluated 2026-01-03.

gnomAD v4.1: 39 of 1,608,622 alleles (0.0024%); highest among the groups gnomAD compares: Admixed American, 0.065%; no homozygotes.

Submissions (2):

Labcorp Genetics (formerly Invitae), Labcorp
Classification: Uncertain significance. Last evaluated: 2026-01-03. Review status: criteria provided, single submitter. Criteria: Invitae Variant Classification Sherloc (09022015). Collection method: clinical testing. Allele origin: germline.
Comment: This sequence change replaces proline, which is neutral and non-polar, with threonine, which is neutral and polar, at codon 208 of the LIPI protein (p.Pro208Thr). This variant is present in population databases (rs751340581, gnomAD 0.09%), and has an allele count higher than expected for a pathogenic variant. This variant has not been reported in the literature in individuals affected with LIPI-related conditions. ClinVar contains an entry for this variant (Variation ID: 2188051). An algorithm developed to predict the effect of missense changes on protein structure and function (PolyPhen-2) suggests that this variant is likely to be disruptive. In summary, the available evidence is currently insufficient to determine the role of this variant in disease. Therefore, it has been classified as a Variant of Uncertain Significance.

Ambry Genetics
Classification: Uncertain significance. Last evaluated: 2025-04-13. Review status: criteria provided, single submitter. Criteria: Ambry Variant Classification Scheme 2023. Collection method: clinical testing. Allele origin: germline.